The following is an entry in ClinVar:

ClinVar aggregate classification (germline): Uncertain significance (1 of 4 stars; one submission).

Conditions:
Parathyroid carcinoma (PRTC). Also called: Parathyroid gland carcinoma; CDC73-Related Parathyroid Carcinoma. Identifiers: Orphanet 143, MedGen C0687150, MONDO:0012004, OMIM 608266, HP:0006780.

Submission:

Labcorp Genetics (formerly Invitae), Labcorp
Classification: Uncertain significance for Parathyroid carcinoma. Last evaluated: 2025-03-19. Review status: criteria provided, single submitter. Criteria: Invitae Variant Classification Sherloc (09022015). Collection method: clinical testing. Allele origin: germline.
Comment: This sequence change falls in intron 11 of the CDC73 gene. It does not directly change the encoded amino acid sequence of the CDC73 protein. It affects a nucleotide within the consensus splice site. This variant is not present in population databases (gnomAD no frequency). This variant has not been reported in the literature in individuals affected with CDC73-related conditions. Variants that disrupt the consensus splice site are a relatively common cause of aberrant splicing (PMID: 17576681, 9536098). Algorithms developed to predict the effect of sequence changes on RNA splicing suggest that this variant is not likely to affect RNA splicing. In summary, the available evidence is currently insufficient to determine the role of this variant in disease. Therefore, it has been classified as a Variant of Uncertain Significance.

Literature cited by the submitters: PubMed 17576681; PubMed 9536098.

NM_024529.5(CDC73):c.1030+6A>G

Gene: CDC73 (cell division cycle 73; plus strand). Cytogenetic location: 1q31.2.
Variant type: single nucleotide variant.
Coding change: c.1030+6A>G on transcript NM_024529.5 (MANE Select); 6 bases into the intron after coding-DNA position 1030, A replaced by G.
Molecular consequence: intron variant.
Genome position (GRCh38, 1-based): chr1:193,203,858, A>G. VCF-style: chr1-193203858-A-G. GRCh37 (hg19) VCF-style: chr1-193172988-A-G.
Identifiers: ClinVar variation 4715425 (VCV004715425.1).